The following is an entry in ClinVar:

NM_001288705.3(CSF1R):c.1754-4_1754-3delinsAG

Gene: CSF1R (colony stimulating factor 1 receptor; minus strand). Cytogenetic location: 5q32.
Variant type: Indel.
Coding change: c.1754-4_1754-3delinsAG on transcript NM_001288705.3 (MANE Select); 4 bases into the intron before coding-DNA position 1754 through 3 bases into the intron before coding-DNA position 1754, GC replaced by AG.
Molecular consequence: intron variant.
Genome position (GRCh38, 1-based): chr5:150,061,598-150,061,599, GC replaced by CT on the plus strand (GC replaced by AG on the coding strand, the reverse complement: CSF1R is on the minus strand). VCF-style: chr5-150061598-GC-CT. GRCh37 (hg19) VCF-style: chr5-149441161-GC-CT.
Other names: c.1310-4_1310-3delinsAG (NM_001375321.1); c.1754-4_1754-3delinsAG (NM_005211.4, NM_001375320.1, NM_001349736.2).
Identifiers: ClinVar variation 2768036 (VCV002768036.3), dbSNP rs2480977359, ClinGen allele CA2697546543.
Genomic context (GRCh38, chr5:150,061,598, plus strand): 5'-AGACCAAAGGCCGTGGCCTCCACCACCTTCCCAAAGGCTCCAGCTCCGAGGGTCTTACCT[GC>CT]CACGCACACAGGTCCCTTAAGTCCCTGGGCACCAAAGGGCCTCTGTCCAAGGGCCCATGG-3'

ClinVar aggregate classification (germline): Uncertain significance (1 of 4 stars; one submission).

Submission:

Labcorp Genetics (formerly Invitae), Labcorp
Classification: Uncertain significance. Last evaluated: 2025-05-26. Review status: criteria provided, single submitter. Criteria: Invitae Variant Classification Sherloc (09022015). Collection method: clinical testing. Allele origin: germline.
Comment: This sequence change falls in intron 12 of the CSF1R gene. It does not directly change the encoded amino acid sequence of the CSF1R protein. It affects a nucleotide within the consensus splice site. Information on the frequency of this variant in the gnomAD database is not available, as this variant may be reported differently in the database. This variant has not been reported in the literature in individuals affected with CSF1R-related conditions. ClinVar contains an entry for this variant (Variation ID: 2768036). Variants that disrupt the consensus splice site are a relatively common cause of aberrant splicing (PMID: 17576681, 9536098). In summary, the available evidence is currently insufficient to determine the role of this variant in disease. Therefore, it has been classified as a Variant of Uncertain Significance.

Literature cited by the submitters: PubMed 17576681; PubMed 9536098.